The following is an entry in ClinVar:

ClinVar aggregate classification (germline): Uncertain significance (1 of 4 stars; one submission).

Conditions:
Werner syndrome (WRN). Identifiers: Orphanet 902, MedGen C0043119, MONDO:0010196, OMIM 277700.

gnomAD v4.1: 1 of 1,613,848 alleles (0.000062%); highest among the groups gnomAD compares: Non-Finnish European, 0.000085%; no homozygotes.

Submission:

Labcorp Genetics (formerly Invitae), Labcorp
Classification: Uncertain significance for Werner syndrome. Last evaluated: 2019-11-21. Review status: criteria provided, single submitter. Criteria: Invitae Variant Classification Sherloc (09022015). Collection method: clinical testing. Allele origin: germline.
Comment: This sequence change replaces alanine with serine at codon 670 of the WRN protein (p.Ala670Ser). The alanine residue is highly conserved and there is a moderate physicochemical difference between alanine and serine. This variant is not present in population databases (ExAC no frequency). This variant has not been reported in the literature in individuals with WRN-related conditions. Algorithms developed to predict the effect of missense changes on protein structure and function (SIFT, PolyPhen-2, Align-GVGD) all suggest that this variant is likely to be disruptive, but these predictions have not been confirmed by published functional studies and their clinical significance is uncertain. In summary, the available evidence is currently insufficient to determine the role of this variant in disease. Therefore, it has been classified as a Variant of Uncertain Significance.

NM_000553.6(WRN):c.2008G>T (p.Ala670Ser)

Gene: WRN (WRN RecQ like helicase; plus strand). Cytogenetic location: 8p12.
Variant type: single nucleotide variant.
Coding change: c.2008G>T on transcript NM_000553.6 (MANE Select); coding-DNA position 2008, G replaced by T.
Protein change: p.Ala670Ser; replaces alanine 670 with serine.
Molecular consequence: missense variant.
Genome position (GRCh38, 1-based): chr8:31,100,875, G>T. VCF-style: chr8-31100875-G-T. GRCh37 (hg19) VCF-style: chr8-30958391-G-T.
Other names: short protein forms A670S.
Identifiers: ClinVar variation 851755 (VCV000851755.2), dbSNP rs1814196424, ClinGen allele CA370908328.